The following is an entry in ClinVar:

ClinVar aggregate classification (germline): Likely pathogenic (1 of 4 stars; one submission).

Submission:

GeneDx
Classification: Likely pathogenic. Last evaluated: 2019-05-02. Review status: criteria provided, single submitter. Criteria: GeneDx Variant Classification (06012015). Collection method: clinical testing. Allele origin: germline. Affected: yes.
Comment: Frameshift variant predicted to result in protein truncation or nonsense mediated decay in a gene for which loss-of-function is a known mechanism of disease; Not observed in large population cohorts (Lek et al., 2016); Has not been previously published as pathogenic or benign to our knowledge

NM_001114753.3(ENG):c.1250_1253dup (p.Met420fs)

Genes: ENG (endoglin; minus strand), LOC102723566 (uncharacterized LOC102723566; plus strand). Cytogenetic location: 9q34.11.
Variant type: Duplication.
Coding change: c.1250_1253dup on transcript NM_001114753.3 (MANE Select); coding-DNA positions 1250 to 1253, 4 bases duplicated (CAGC; older notation c.1250_1253dupCAGC).
Protein change: p.Met420fs; shifts the reading frame from methionine 420.
Molecular consequence: frameshift variant.
Genome position (GRCh38, 1-based): chr9:127,819,919-127,819,922, GCTG duplicated on the plus strand (CAGC on the coding strand, the reverse complement: ENG is on the minus strand). VCF-style (leftmost placement, unchanged base first): chr9-127819918-T-TGCTG. GRCh37 (hg19) VCF-style: chr9-130582197-T-TGCTG.
Other names: c.1250_1253dup, p.Met420Lysfs (NM_000118.4); c.704_707dup, p.Met238fs (NM_001278138.2); short protein forms M238fs, M420fs.
Identifiers: ClinVar variation 818074 (VCV000818074.3), dbSNP rs1588576911, ClinGen allele CA915947169.